The following is an entry in ClinVar:

ClinVar aggregate classification (germline): Uncertain significance (1 of 4 stars; one submission).

Allele frequency attached by ClinVar (database versions not stated): gnomAD exomes below 0.00001.
gnomAD v4.1: 6 of 1,614,226 alleles (0.00037%); highest among the groups gnomAD compares: Non-Finnish European, 0.00042%; no homozygotes.

Submission:

Labcorp Genetics (formerly Invitae), Labcorp
Classification: Uncertain significance. Last evaluated: 2022-06-20. Review status: criteria provided, single submitter. Criteria: Invitae Variant Classification Sherloc (09022015). Collection method: clinical testing. Allele origin: germline.
Comment: In summary, the available evidence is currently insufficient to determine the role of this variant in disease. Therefore, it has been classified as a Variant of Uncertain Significance. Experimental studies have shown that this missense change affects LRIT3 function (PMID: 22673519). Algorithms developed to predict the effect of missense changes on protein structure and function (SIFT, PolyPhen-2, Align-GVGD) all suggest that this variant is likely to be tolerated. This variant has not been reported in the literature in individuals affected with LRIT3-related conditions. This variant is not present in population databases (gnomAD no frequency). This sequence change replaces serine, which is neutral and polar, with threonine, which is neutral and polar, at codon 494 of the LRIT3 protein (p.Ser494Thr).

Literature cited by the submitters: PubMed 22673519.

NM_198506.5(LRIT3):c.1481G>C (p.Ser494Thr)

Gene: LRIT3 (leucine rich repeat, Ig-like and transmembrane domains 3; plus strand). Cytogenetic location: 4q25.
Variant type: single nucleotide variant.
Coding change: c.1481G>C on transcript NM_198506.5 (MANE Select); coding-DNA position 1481, G replaced by C.
Protein change: p.Ser494Thr; replaces serine 494 with threonine.
Molecular consequence: missense variant.
Genome position (GRCh38, 1-based): chr4:109,870,230, G>C. VCF-style: chr4-109870230-G-C. GRCh37 (hg19) VCF-style: chr4-110791386-G-C.
Other names: short protein forms S494T.
Identifiers: ClinVar variation 1504047 (VCV001504047.8), dbSNP rs1734796086, ClinGen allele CA357871487.